The following is an entry in ClinVar:

ClinVar aggregate classification (germline): Uncertain significance (1 of 4 stars; one submission).

Submission:

Labcorp Genetics (formerly Invitae), Labcorp
Classification: Uncertain significance. Last evaluated: 2026-01-27. Review status: criteria provided, single submitter. Criteria: Invitae Variant Classification Sherloc (09022015). Collection method: clinical testing. Allele origin: germline.
Comment: This sequence change replaces alanine, which is neutral and non-polar, with valine, which is neutral and non-polar, at codon 1213 of the ERBB4 protein (p.Ala1213Val). This variant is not present in population databases (gnomAD no frequency). This variant has not been reported in the literature in individuals affected with ERBB4-related conditions. An algorithm developed to predict the effect of missense changes on protein structure and function (PolyPhen-2) suggests that this variant is likely to be tolerated. In summary, the available evidence is currently insufficient to determine the role of this variant in disease. Therefore, it has been classified as a Variant of Uncertain Significance.

NM_005235.3(ERBB4):c.3638C>T (p.Ala1213Val)

Gene: ERBB4 (erb-b2 receptor tyrosine kinase 4; minus strand). Cytogenetic location: 2q34.
Variant type: single nucleotide variant.
Coding change: c.3638C>T on transcript NM_005235.3 (MANE Select); coding-DNA position 3638, C replaced by T.
Protein change: p.Ala1213Val; replaces alanine 1213 with valine.
Molecular consequence: missense variant.
Genome position (GRCh38, 1-based): chr2:211,383,904, G>A on the plus strand (C>T on the coding strand, the complement: ERBB4 is on the minus strand). VCF-style: chr2-211383904-G-A. GRCh37 (hg19) VCF-style: chr2-212248629-G-A.
Other names: c.3590C>T, p.Ala1197Val (NM_001042599.2); c.3608C>T, p.Ala1203Val (NM_001439005.1); c.3560C>T, p.Ala1187Val (NM_001439006.1); short protein forms A1187V, A1197V, A1203V, A1213V.
Identifiers: ClinVar variation 4807499 (VCV004807499.1).